The following is an entry in ClinVar:

NM_000038.6(APC):c.7631C>T (p.Ser2544Leu)

Gene: APC (APC regulator of Wnt signaling pathway; plus strand). Cytogenetic location: 5q22.2.
Variant type: single nucleotide variant.
Coding change: c.7631C>T on transcript NM_000038.6 (MANE Select); coding-DNA position 7631, C replaced by T.
Protein change: p.Ser2544Leu; replaces serine 2544 with leucine.
Molecular consequence: missense variant.
Genome position (GRCh38, 1-based): chr5:112,843,225, C>T. VCF-style: chr5-112843225-C-T. GRCh37 (hg19) VCF-style: chr5-112178922-C-T.
Other names: c.7631C>T, p.Ser2544Leu (NM_001127510.3, NM_001354895.2, NM_001407450.1); c.7577C>T, p.Ser2526Leu (NM_001127511.3); c.7685C>T, p.Ser2562Leu (NM_001354896.2, NM_001407447.1, NM_001407448.1 and 1 more transcripts); c.7661C>T, p.Ser2554Leu (NM_001354897.2); c.7556C>T, p.Ser2519Leu (NM_001354898.2); c.7547C>T, p.Ser2516Leu (NM_001354899.2); c.7508C>T, p.Ser2503Leu (NM_001354900.2); c.7454C>T, p.Ser2485Leu (NM_001354901.2, NM_001407453.1); and 11 more; short protein forms S2160L, S2384L, S2418L, S2461L, S2537L, S2554L, S2562L, S2261L.
Identifiers: ClinVar variation 1759907 (VCV001759907.2), dbSNP rs2149990945, ClinGen allele CA16037908.

ClinVar aggregate classification (germline): Uncertain significance (1 of 4 stars; one submission).

Conditions:
Hereditary cancer-predisposing syndrome. Also called: Neoplastic Syndromes, Hereditary; Tumor predisposition; Hereditary Cancer Syndrome; Hereditary neoplastic syndrome. Identifiers: Orphanet 140162, MedGen C0027672, MeSH D009386, MONDO:0015356.

Allele frequency attached by ClinVar (database versions not stated): gnomAD exomes below 0.00001.
gnomAD v4.1: 1 of 1,613,852 alleles (0.000062%); highest among the groups gnomAD compares: Non-Finnish European, 0.000085%; no homozygotes.

Submission:

Ambry Genetics
Classification: Uncertain significance for Hereditary cancer-predisposing syndrome. Last evaluated: 2021-08-06. Review status: criteria provided, single submitter. Criteria: Ambry Variant Classification Scheme 2023. Collection method: clinical testing. Allele origin: germline.
Comment: The p.S2544L variant (also known as c.7631C>T), located in coding exon 15 of the APC gene, results from a C to T substitution at nucleotide position 7631. The serine at codon 2544 is replaced by leucine, an amino acid with dissimilar properties. This amino acid position is not well conserved in available vertebrate species. In addition, in silico predictors for this gene do not accurately predict pathogenicity. Since supporting evidence is limited at this time, the clinical significance of this alteration remains unclear.